The following is an entry in ClinVar:

ClinVar aggregate classification (germline): Uncertain significance (1 of 4 stars; one submission).

Conditions:
Epilepsy, X-linked 1, with variable learning disabilities and behavior disorders. Also called: X-linked epilepsy-learning disabilities-behavior disorders syndrome. Identifiers: Orphanet 85294, MedGen C5774177, MONDO:0010339, OMIM 300491.

Allele frequency attached by ClinVar (database versions not stated): gnomAD exomes 0.00001 and 0.00003.
gnomAD v4.1: 15 of 1,077,118 alleles (0.0014%); highest among the groups gnomAD compares: Non-Finnish European, 0.0014%; no homozygotes.

Submission:

Labcorp Genetics (formerly Invitae), Labcorp
Classification: Uncertain significance for Epilepsy, X-linked 1, with variable learning disabilities and behavior disorders. Last evaluated: 2018-05-30. Review status: criteria provided, single submitter. Criteria: Invitae Variant Classification Sherloc (09022015). Collection method: clinical testing. Allele origin: germline.
Comment: This sequence change replaces proline with leucine at codon 498 of the SYN1 protein (p.Pro498Leu). The proline residue is moderately conserved and there is a moderate physicochemical difference between proline and leucine. While this variant is not present in population databases, the frequency information is unreliable, as metrics indicate poor data quality at this position in the ExAC database. This variant has not been reported in the literature in individuals with SYN1-related disease. Algorithms developed to predict the effect of missense changes on protein structure and function are either unavailable or do not agree on the potential impact of this missense change (SIFT: "Deleterious"; PolyPhen-2: "Probably Damaging"; Align-GVGD: "Class C0"). In summary, the available evidence is currently insufficient to determine the role of this variant in disease. Therefore, it has been classified as a Variant of Uncertain Significance.

NM_006950.3(SYN1):c.1493C>T (p.Pro498Leu)

Gene: SYN1 (synapsin I; minus strand). Cytogenetic location: Xp11.3.
Variant type: single nucleotide variant.
Coding change: c.1493C>T on transcript NM_006950.3 (MANE Select); coding-DNA position 1493, C replaced by T.
Protein change: p.Pro498Leu; replaces proline 498 with leucine.
Molecular consequence: missense variant.
Genome position (GRCh38, 1-based): chrX:47,574,491, G>A on the plus strand (C>T on the coding strand, the complement: SYN1 is on the minus strand). VCF-style: chrX-47574491-G-A. GRCh37 (hg19) VCF-style: chrX-47433890-G-A.
Other names: c.1493C>T, p.Pro498Leu (NM_133499.2); short protein forms P498L.
Identifiers: ClinVar variation 573093 (VCV000573093.9), dbSNP rs1198466921, ClinGen allele CA412823634.
Genomic context (GRCh38, chrX:47,574,491, plus strand): 5'-GGCTGCTGGGGCGCTGAGGTGGGACTTGGAAGGCGCTGGGGCAGGGGGCTGCCAGCTGGG[G>A]GTCCAAGGCCTGAAAGGTGCTGCTGGCCCTGCGGGGGCGGGCGCTGCTGCAATGGGGGTC-3'
Protein context (NP_008881.2, residues 488-508): QGQQHLSGLG[Pro498Leu]PAGSPLPQRL